The following is an entry in ClinVar:

ClinVar aggregate classification (germline): Likely benign. Review status: criteria provided, multiple submitters, no conflicts (2 of 4 stars). 5 submissions from 5 submitters: Likely benign (4). 1 of the submissions does not count toward it. Last evaluated 2026-02-01.

Conditions:
Inborn genetic diseases. Identifiers: MedGen C0950123, MeSH D030342.
CCDC88C-related disorder. Also called: CCDC88C-related condition; CCDC88C-Related Disorders.

Allele frequency attached by ClinVar (database versions not stated): TOPMed 0.00016; gnomAD 0.00019 and 0.00040; 1000 Genomes Project 0.00020; 1000 Genomes Project 30x 0.00031; gnomAD exomes 0.00072 and 0.00095; ExAC 0.00110.
gnomAD v4.1: 1,112 of 1,613,288 alleles (0.069%); highest among the groups gnomAD compares: South Asian, 0.7%; 12 homozygotes.

Submissions (5):

Labcorp Genetics (formerly Invitae), Labcorp
Classification: Likely benign. Last evaluated: 2026-02-01. Review status: criteria provided, single submitter. Criteria: Invitae Variant Classification Sherloc (09022015). Collection method: clinical testing. Allele origin: germline.

Blueprint Genetics
Classification: Likely benign. Last evaluated: 2024-11-25. Review status: criteria provided, single submitter. Criteria: ACMG Guidelines, 2015. Collection method: clinical testing. Allele origin: germline.

Ambry Genetics
Classification: Likely benign for Inborn genetic diseases. Last evaluated: 2023-03-02. Review status: criteria provided, single submitter. Criteria: Ambry Variant Classification Scheme 2023. Collection method: clinical testing. Allele origin: germline.

Breakthrough Genomics
Classification: Likely benign. Review status: criteria provided, single submitter. Criteria: ACMG Guidelines, 2015. Collection method: not provided. Allele origin: germline. Inheritance: Autosomal recessive inheritance. Affected: yes.

PreventionGenetics, part of Exact Sciences
Classification: Likely benign for CCDC88C-related condition. Last evaluated: 2022-02-23. Review status: no assertion criteria provided. Collection method: clinical testing. Allele origin: germline. Not counted in ClinVar's aggregate classification.
Comment: This variant is classified as likely benign based on ACMG/AMP sequence variant interpretation guidelines (Richards et al. 2015 PMID: 25741868, with internal and published modifications).

NM_001080414.4(CCDC88C):c.4852C>T (p.Arg1618Trp)

Gene: CCDC88C (coiled-coil and HOOK domain protein 88C; minus strand). Cytogenetic location: 14q32.11.
Variant type: single nucleotide variant.
Coding change: c.4852C>T on transcript NM_001080414.4 (MANE Select); coding-DNA position 4852, C replaced by T.
Protein change: p.Arg1618Trp; replaces arginine 1618 with tryptophan.
Molecular consequence: missense variant.
Genome position (GRCh38, 1-based): chr14:91,278,128, G>A on the plus strand (C>T on the coding strand, the complement: CCDC88C is on the minus strand). VCF-style: chr14-91278128-G-A. GRCh37 (hg19) VCF-style: chr14-91744472-G-A.
Other names: short protein forms R1618W.
Identifiers: ClinVar variation 718128 (VCV000718128.14), dbSNP rs573820836, ClinGen allele CA7308814.